The following is an entry in ClinVar:

NM_001478.5(B4GALNT1):c.1011C>T (p.Phe337=)

Gene: B4GALNT1 (beta-1,4-N-acetyl-galactosaminyltransferase 1; minus strand). Cytogenetic location: 12q13.3.
Variant type: single nucleotide variant.
Coding change: c.1011C>T on transcript NM_001478.5 (MANE Select); coding-DNA position 1011, C replaced by T.
Protein change: p.Phe337=; no amino-acid change (phenylalanine 337 retained).
Molecular consequence: synonymous variant.
Genome position (GRCh38, 1-based): chr12:57,628,254, G>A on the plus strand (C>T on the coding strand, the complement: B4GALNT1 is on the minus strand). VCF-style: chr12-57628254-G-A. GRCh37 (hg19) VCF-style: chr12-58022037-G-A.
Other names: c.846C>T, p.Phe282= (NM_001276468.2, NM_001413978.1); c.1146C>T, p.Phe382= (NM_001413967.1, NM_001413968.1, NM_001413969.1); c.1011C>T, p.Phe337= (NM_001413970.1, NM_001413971.1, NM_001413972.1 and 2 more transcripts); c.912C>T, p.Phe304= (NM_001413977.1); c.159C>T, p.Phe53= (NM_001413981.1); c.24C>T, p.Phe8= (NM_001413982.1, NM_001413983.1, NM_001413984.1).
Identifiers: ClinVar variation 2159095 (VCV002159095.5), dbSNP rs759167970, ClinGen allele CA6655550.

ClinVar aggregate classification (germline): Uncertain significance. Review status: criteria provided, multiple submitters, no conflicts (2 of 4 stars). 2 submissions from 2 submitters: Uncertain significance (2). Last evaluated 2022-07-03.

Conditions:
Spastic paraplegia. Identifiers: MedGen C0037772, HP:0001258.

Allele frequency attached by ClinVar (database versions not stated): TOPMed below 0.00001; gnomAD 0.00001; gnomAD exomes 0.00001; ExAC 0.00002.
gnomAD v4.1: 13 of 1,614,128 alleles (0.00081%); highest among the groups gnomAD compares: Non-Finnish European, 0.00093%; no homozygotes.

Submissions (2):

Labcorp Genetics (formerly Invitae), Labcorp
Classification: Uncertain significance for Spastic paraplegia. Last evaluated: 2022-07-03. Review status: criteria provided, single submitter. Criteria: Invitae Variant Classification Sherloc (09022015). Collection method: clinical testing. Allele origin: germline.
Comment: In summary, the available evidence is currently insufficient to determine the role of this variant in disease. Therefore, it has been classified as a Variant of Uncertain Significance. Algorithms developed to predict the effect of sequence changes on RNA splicing suggest that this variant may create or strengthen a splice site. This variant has not been reported in the literature in individuals affected with B4GALNT1-related conditions. This variant is present in population databases (rs759167970, gnomAD 0.003%). This sequence change affects codon 337 of the B4GALNT1 mRNA. It is a 'silent' change, meaning that it does not change the encoded amino acid sequence of the B4GALNT1 protein.

Blueprint Genetics
Classification: Uncertain significance. Last evaluated: 2020-04-07. Review status: criteria provided, single submitter. Criteria: ACMG Guidelines, 2015. Collection method: clinical testing. Allele origin: germline.